The following is an entry in ClinVar:

ClinVar aggregate classification (germline): Uncertain significance (1 of 4 stars; one submission).

Conditions:
Hereditary cancer-predisposing syndrome. Also called: Neoplastic Syndromes, Hereditary; Tumor predisposition; Hereditary neoplastic syndrome; Hereditary Cancer Syndrome. Identifiers: Orphanet 140162, MedGen C0027672, MeSH D009386, MONDO:0015356.

Submission:

Ambry Genetics
Classification: Uncertain significance for Hereditary cancer-predisposing syndrome. Last evaluated: 2026-08-23. Review status: criteria provided, single submitter. Criteria: Ambry Variant Classification Scheme 2023. Collection method: clinical testing. Allele origin: germline.
Comment: The p.M57R variant (also known as c.170T>G), located in coding exon 3 of the XRCC2 gene, results from a T to G substitution at nucleotide position 170. The methionine at codon 57 is replaced by arginine, an amino acid with similar properties. This amino acid position is conserved. In addition, this alteration is predicted to be deleterious by in silico analysis. Based on the available evidence, the clinical significance of this variant remains unclear.

NM_005431.2(XRCC2):c.170T>G (p.Met57Arg)

Gene: XRCC2 (X-ray repair cross complementing 2; minus strand). Cytogenetic location: 7q36.1.
Variant type: single nucleotide variant.
Coding change: c.170T>G on transcript NM_005431.2 (MANE Select); coding-DNA position 170, T replaced by G.
Protein change: p.Met57Arg; replaces methionine 57 with arginine.
Molecular consequence: missense variant.
Genome position (GRCh38, 1-based): chr7:152,649,315, A>C on the plus strand (T>G on the coding strand, the complement: XRCC2 is on the minus strand). VCF-style: chr7-152649315-A-C. GRCh37 (hg19) VCF-style: chr7-152346400-A-C.
Other names: short protein forms M57R.
Identifiers: ClinVar variation 5032091 (VCV005032091.1).